The following is an entry in ClinVar:

ClinVar aggregate classification (germline): Likely benign. Review status: criteria provided, multiple submitters, no conflicts (2 of 4 stars). 2 submissions from 2 submitters: Likely benign (2). Last evaluated 2023-11-28.

Conditions:
Primary ciliary dyskinesia. Also called: Ciliary dyskinesia. Identifiers: Orphanet 244, MedGen C0008780, MONDO:0016575, HP:0012265.

Allele frequency attached by ClinVar (database versions not stated): gnomAD exomes below 0.00001; ExAC 0.00001; TOPMed 0.00001.
gnomAD v4.1: 2 of 1,612,830 alleles (0.00012%); highest among the groups gnomAD compares: Non-Finnish European, 0.000085%; no homozygotes.

Submissions (2):

Labcorp Genetics (formerly Invitae), Labcorp
Classification: Likely benign for Primary ciliary dyskinesia. Last evaluated: 2023-11-28. Review status: criteria provided, single submitter. Criteria: Invitae Variant Classification Sherloc (09022015). Collection method: clinical testing. Allele origin: germline.

Laboratory for Molecular Medicine, Mass General Brigham Personalized Medicine
Classification: Likely benign. Last evaluated: 2016-02-03. Review status: criteria provided, single submitter. Criteria: LMM Criteria. Collection method: clinical testing. Allele origin: germline. Observed: 1 variant allele.
Comment: p.Asn4236Asn in c.12708T>C of DNAH11: This variant is not expected to have clini cal significance because it does not alter an amino acid residue and is not loca ted within the splice consensus sequence. It has been identified in 1/55474 Euro pean chromosomes by the Exome Aggregation Consortium (ExAC; dbSNP rs775042712).

NM_001277115.2(DNAH11):c.12708T>C (p.Asn4236=)

Gene: DNAH11 (dynein axonemal heavy chain 11; plus strand). Cytogenetic location: 7p15.3.
Variant type: single nucleotide variant.
Coding change: c.12708T>C on transcript NM_001277115.2 (MANE Select); coding-DNA position 12708, T replaced by C.
Protein change: p.Asn4236=; no amino-acid change (asparagine 4236 retained).
Molecular consequence: synonymous variant.
Genome position (GRCh38, 1-based): chr7:21,892,625, T>C. VCF-style: chr7-21892625-T-C. GRCh37 (hg19) VCF-style: chr7-21932243-T-C.
Identifiers: ClinVar variation 227318 (VCV000227318.12), dbSNP rs775042712, ClinGen allele CA4183151.